The following is an entry in ClinVar:

ClinVar aggregate classification (germline): Uncertain significance. Review status: criteria provided, multiple submitters, no conflicts (2 of 4 stars). 3 submissions from 3 submitters: Uncertain significance (2). 1 of the submissions does not count toward it. Last evaluated 2024-11-18.

Conditions:
ZNF513-related disorder. Also called: ZNF513-related condition.
Retinitis pigmentosa (RP). Identifiers: Orphanet 791, MedGen C0035334, MeSH D012174, MONDO:0019200, OMIM 268000. Inheritance: Autosomal dominant, autosomal recessive and X linked inheritance.

Allele frequency attached by ClinVar (database versions not stated): TOPMed 0.00010; gnomAD exomes 0.00015; ExAC 0.00033; 1000 Genomes Project 30x 0.00187; 1000 Genomes Project 0.00200.
gnomAD v4.1: 927 of 1,566,118 alleles (0.059%); highest among the groups gnomAD compares: East Asian, 2.1%; 15 homozygotes.

Submissions (3):

Blueprint Genetics
Classification: Uncertain significance. Last evaluated: 2024-11-18. Review status: criteria provided, single submitter. Criteria: ACMG Guidelines, 2015. Collection method: clinical testing. Allele origin: germline.

Illumina Laboratory Services, Illumina
Classification: Uncertain significance for Retinitis pigmentosa. Last evaluated: 2018-01-12. Review status: criteria provided, single submitter. Criteria: ICSL Variant Classification Criteria 13 December 2019. Collection method: clinical testing. Allele origin: germline.

PreventionGenetics, part of Exact Sciences
Classification: Likely benign for ZNF513-related condition. Last evaluated: 2019-04-08. Review status: no assertion criteria provided. Collection method: clinical testing. Allele origin: germline. Not counted in ClinVar's aggregate classification.
Comment: This variant is classified as likely benign based on ACMG/AMP sequence variant interpretation guidelines (Richards et al. 2015 PMID: 25741868, with internal and published modifications).

NM_144631.6(ZNF513):c.-8C>G

Genes: ZNF513 (zinc finger protein 513; minus strand), LOC129933377 (ATAC-STARR-seq lymphoblastoid silent region 11297; plus strand). Cytogenetic location: 2p23.3.
Variant type: single nucleotide variant.
Coding change: c.-8C>G on transcript NM_144631.6 (MANE Select); 8 bases upstream of the start codon, C replaced by G.
Molecular consequence: 5 prime UTR variant.
Genome position (GRCh38, 1-based): chr2:27,380,534, G>C on the plus strand (C>G on the coding strand, the complement: ZNF513 is on the minus strand). VCF-style: chr2-27380534-G-C. GRCh37 (hg19) VCF-style: chr2-27603401-G-C.
Identifiers: ClinVar variation 897543 (VCV000897543.7), dbSNP rs142187881, ClinGen allele CA1578198.